The following is an entry in ClinVar:

NM_001367624.2(ZNF469):c.4612G>A (p.Ala1538Thr)

Gene: ZNF469 (zinc finger protein 469; plus strand). Cytogenetic location: 16q24.2.
Variant type: single nucleotide variant.
Coding change: c.4612G>A on transcript NM_001367624.2 (MANE Select); coding-DNA position 4612, G replaced by A.
Protein change: p.Ala1538Thr; replaces alanine 1538 with threonine.
Molecular consequence: missense variant.
Genome position (GRCh38, 1-based): chr16:88,432,082, G>A. VCF-style: chr16-88432082-G-A. GRCh37 (hg19) VCF-style: chr16-88498490-G-A.
Other names: NM_001127464.1:c.4528G>A; NM_001127464.2:c.4528G>A; p.Ala1538Thr; short protein forms A1538T.
Identifiers: ClinVar variation 1208763 (VCV001208763.18), dbSNP rs200684392, ClinGen allele CA8224987.
Genomic context (GRCh38, chr16:88,432,082, plus strand): 5'-CTCTCGGGGGGAAAGGTGCTCAGTAAGACGTGTCCCCCTGAACGGACAGTGGTTCCCGGC[G>A]CCGCCCCATCTTTGCCTGGGAAGGGGAGTGGATGTAGCGTTGCTCTTATGAGTCACCTGT-3'
Protein context (NP_001354553.1, residues 1528-1548): CPPERTVVPG[Ala1538Thr]APSLPGKGSG

ClinVar aggregate classification (germline): Conflicting classifications of pathogenicity. Review status: criteria provided, conflicting classifications (1 of 4 stars). 7 submissions from 7 submitters: Uncertain significance (1); Likely benign (5). 1 of the submissions does not count toward it. Last evaluated 2026-01-14.

Conditions:
ZNF469-related disorder. Also called: ZNF469-related condition.
Cardiovascular phenotype. Identifiers: MedGen CN230736.

Allele frequency attached by ClinVar (database versions not stated): gnomAD exomes 0.00015 and 0.00032; ExAC 0.00051; 1000 Genomes Project 30x 0.00094; ESP Exome Variant Server 0.00110; gnomAD 0.00113 and 0.00117; 1000 Genomes Project 0.00120; TOPMed 0.00121.
gnomAD v4.1: 396 of 1,550,506 alleles (0.026%); highest among the groups gnomAD compares: African/African-American, 0.37%; no homozygotes.

Submissions (7):

Labcorp Genetics (formerly Invitae), Labcorp
Classification: Likely benign. Last evaluated: 2026-01-14. Review status: criteria provided, single submitter. Criteria: Invitae Variant Classification Sherloc (09022015). Collection method: clinical testing. Allele origin: germline.

Women's Health and Genetics/Laboratory Corporation of America, LabCorp
Classification: Likely benign. Last evaluated: 2025-10-06. Review status: criteria provided, single submitter. Criteria: LabCorp Variant Classification Summary - May 2015. Collection method: clinical testing. Allele origin: germline.
Comment: Variant summary: ZNF469 c.4612G>A (p.Ala1538Thr) results in a non-conservative amino acid change in the encoded protein sequence. Algorithms developed to predict the effect of missense changes on protein structure and function are either unavailable or do not agree on the potential impact of this missense change. The variant allele was found at a frequency of 0.00032 in 153986 control chromosomes, predominantly at a frequency of 0.0028 within the African or African-American subpopulation in the gnomAD database. The observed variant frequency within African or African-American control individuals in the gnomAD database exceeds the estimated maximal expected allele frequency for disease-causing variants in ZNF469. To our knowledge, no occurrence of c.4612G>A in individuals affected with ZNF469-related conditions and no experimental evidence demonstrating its impact on protein function have been reported. ClinVar contains an entry for this variant (Variation ID: 1208763). Based on the evidence outlined above, the variant was classified as likely benign.

Mayo Clinic Laboratories, Mayo Clinic
Classification: Likely benign. Last evaluated: 2025-03-18. Review status: criteria provided, single submitter. Criteria: ACMG Guidelines, 2015. Collection method: clinical testing. Allele origin: germline. Observed: 1 variant allele.
Comment: BS1, BP4_moderate

Blueprint Genetics
Classification: Uncertain significance. Last evaluated: 2024-09-26. Review status: criteria provided, single submitter. Criteria: ACMG Guidelines, 2015. Collection method: clinical testing. Allele origin: germline.

Ambry Genetics
Classification: Likely benign for Cardiovascular phenotype. Last evaluated: 2020-10-01. Review status: criteria provided, single submitter. Criteria: Ambry Variant Classification Scheme 2023. Collection method: clinical testing. Allele origin: germline.

GeneDx
Classification: Likely benign. Last evaluated: 2020-01-15. Review status: criteria provided, single submitter. Criteria: GeneDx Variant Classification Process June 2021. Collection method: clinical testing. Allele origin: germline. Affected: yes.

PreventionGenetics, part of Exact Sciences
Classification: Likely benign for ZNF469-related condition. Last evaluated: 2023-04-25. Review status: no assertion criteria provided. Collection method: clinical testing. Allele origin: germline. Not counted in ClinVar's aggregate classification.
Comment: This variant is classified as likely benign based on ACMG/AMP sequence variant interpretation guidelines (Richards et al. 2015 PMID: 25741868, with internal and published modifications).